The following is an entry in ClinVar:

ClinVar aggregate classification (germline): Conflicting classifications of pathogenicity. Review status: criteria provided, conflicting classifications (1 of 4 stars). 2 submissions from 2 submitters: Uncertain significance (1); Likely benign (1). Last evaluated 2025-08-03.

gnomAD v4.1: 534 of 1,588,414 alleles (0.034%); highest among the groups gnomAD compares: African/African-American, 0.64%; 2 homozygotes.

Submissions (2):

Ambry Genetics
Classification: Uncertain significance. Last evaluated: 2025-08-03. Review status: criteria provided, single submitter. Criteria: Ambry Variant Classification Scheme 2023. Collection method: clinical testing. Allele origin: germline.

CeGaT Center for Human Genetics Tuebingen
Classification: Likely benign. Last evaluated: 2025-02-01. Review status: criteria provided, single submitter. Criteria: CeGaT Center For Human Genetics Tuebingen Variant Classification Criteria Version 2. Collection method: clinical testing. Allele origin: germline. Affected: yes. Observed: 1 variant allele.
Comment: CEP162: BP4

NM_014895.4(CEP162):c.263A>T (p.Gln88Leu)

Gene: CEP162 (centrosomal protein 162; minus strand). Cytogenetic location: 6q14.3.
Variant type: single nucleotide variant.
Coding change: c.263A>T on transcript NM_014895.4 (MANE Select); coding-DNA position 263, A replaced by T.
Protein change: p.Gln88Leu; replaces glutamine 88 with leucine.
Molecular consequence: missense variant.
Genome position (GRCh38, 1-based): chr6:84,215,832, T>A on the plus strand (A>T on the coding strand, the complement: CEP162 is on the minus strand). VCF-style: chr6-84215832-T-A. GRCh37 (hg19) VCF-style: chr6-84925550-T-A.
Other names: c.263A>T (NM_014895.2); c.35A>T, p.Gln12Leu (NM_001286206.2); short protein forms Q12L, Q88L.
Identifiers: ClinVar variation 3771006 (VCV003771006.14).